The following is an entry in ClinVar:

NM_000302.4(PLOD1):c.1594_1596del (p.Glu532del)

Gene: PLOD1 (procollagen-lysine,2-oxoglutarate 5-dioxygenase 1; plus strand). Cytogenetic location: 1p36.22.
Variant type: Deletion.
Coding change: c.1594_1596del on transcript NM_000302.4 (MANE Select); coding-DNA positions 1594 to 1596, 3 bases deleted (GAG; older notation c.1594_1596delGAG).
Protein change: p.Glu532del; deletes glutamic acid 532.
Molecular consequence: inframe deletion.
Genome position (GRCh38, 1-based): chr1:11,966,260-11,966,262, GAG deleted; deleting any 3 consecutive bases within chr1:11,966,258-11,966,262 gives the same sequence; the c. name uses the placement nearest the transcript's 3' end. VCF-style (leftmost placement, unchanged base first): chr1-11966257-AAGG-A. GRCh37 (hg19) VCF-style: chr1-12026314-AAGG-A.
Other names: c.1735_1737del, p.Glu579del (NM_001316320.2); c.1594_1596delGAG (NM_000302.4); short protein forms E579del.
Identifiers: ClinVar variation 14367 (VCV000014367.4), dbSNP rs797044446, ClinGen allele CA281011.

ClinVar aggregate classification (germline): Conflicting classifications of pathogenicity. Review status: criteria provided, conflicting classifications (1 of 4 stars). 3 submissions from 3 submitters: Likely pathogenic (1); Uncertain significance (1). 1 of the submissions does not count toward it. Last evaluated 2026-03-31.

Conditions:
Ehlers-Danlos syndrome, kyphoscoliotic type 1 (EDSKSCL1). Also called: EHLERS-DANLOS SYNDROME, TYPE VIA; PLOD1-Related Kyphoscoliotic Ehlers-Danlos Syndrome; EHLERS-DANLOS SYNDROME, OCULAR-SCOLIOTIC TYPE; Ehlers-Danlos syndrome, hydroxylysine-deficient. Identifiers: Orphanet 1900, MedGen C0268342, MONDO:0016002, OMIM 225400. Disease mechanism: loss of function.

Submissions (3):

Women's Health and Genetics/Laboratory Corporation of America, LabCorp
Classification: Uncertain significance. Last evaluated: 2026-03-31. Review status: criteria provided, single submitter. Criteria: LabCorp Variant Classification Summary - May 2015. Collection method: clinical testing. Allele origin: germline.
Comment: Variant summary: PLOD1 c.1594_1596delGAG (p.Glu532del) results in an in-frame deletion that is predicted to remove 1 amino acid from the encoded protein. The frequency data for this variant in gnomAD is considered unreliable, as metrics indicate poor data quality at this position. c.1594_1596delGAG has been observed in compound heterozygous state in an individual affected with Ehlers-Danlos syndrome, kyphoscoliotic type 1 (Ha_1994). These data do not allow any conclusion about variant significance. To our knowledge, no experimental evidence demonstrating an impact on protein function has been reported. The following publication have been ascertained in the context of this evaluation (PMID: 8163671). ClinVar contains an entry for this variant (Variation ID: 14367). Based on the evidence outlined above, the variant was classified as uncertain significance.

GeneDx
Classification: Likely pathogenic. Last evaluated: 2022-06-20. Review status: criteria provided, single submitter. Criteria: GeneDx Variant Classification Process June 2021. Collection method: clinical testing. Allele origin: germline. Affected: yes.
Comment: Not observed at significant frequency in large population cohorts (gnomAD); In-frame deletion of 1 amino acid in a non-repeat region; In silico analysis supports a deleterious effect on protein structure/function; This variant is associated with the following publications: (PMID: 28306229, 8163671, 11001813)

OMIM
Classification: Pathogenic for EHLERS-DANLOS SYNDROME, KYPHOSCOLIOTIC TYPE, 1. Last evaluated: 1994-04-01. Review status: no assertion criteria provided. Collection method: literature only. Allele origin: germline. Not counted in ClinVar's aggregate classification.

Literature cited by the submitters: PubMed 8163671 (cited by Women's Health and Genetics/Laboratory Corporation of America, LabCorp and OMIM).